The following is an entry in ClinVar:

ClinVar aggregate classification (germline): Conflicting classifications of pathogenicity. Review status: criteria provided, conflicting classifications (1 of 4 stars). 21 submissions from 21 submitters: Pathogenic (3); Likely pathogenic (3); Uncertain significance (10); Benign (1); Likely benign (3). 1 of the submissions does not count toward it. Last evaluated 2026-08-01.

Conditions:
Renal carnitine transport defect (CDSP). Also called: CARNITINE DEFICIENCY, SYSTEMIC, DUE TO DEFECT IN RENAL REABSORPTION OF CARNITINE; CARNITINE TRANSPORTER, PLASMA-MEMBRANE, DEFICIENCY OF; CARNITINE UPTAKE DEFECT; Primary carnitine deficiency; Carnitine transporter deficiency; Systemic primary carnitine deficiency disease. Identifiers: Orphanet 158, MedGen C0342788, MONDO:0008919, OMIM 212140.

Allele frequency attached by ClinVar (database versions not stated): 1000 Genomes Project 30x 0.00141; gnomAD exomes 0.00325 and 0.00472; gnomAD 0.00344 and 0.00347; ESP Exome Variant Server 0.00408; 1000 Genomes Project 0.00140; TOPMed 0.00343; ExAC 0.00326.
gnomAD v4.1: 7,354 of 1,614,104 alleles (0.46%); highest among the groups gnomAD compares: Non-Finnish European, 0.55%; 27 homozygotes.

Submissions 1 to 17 of 21:

CeGaT Center for Human Genetics Tuebingen
Classification: Likely benign. Last evaluated: 2026-08-01. Review status: criteria provided, single submitter. Criteria: CeGaT Center For Human Genetics Tuebingen Variant Classification Criteria Version 2. Collection method: clinical testing. Allele origin: germline. Affected: yes. Observed: 11 variant alleles.
Comment: SLC22A5: PM5, BS2

Labcorp Genetics (formerly Invitae), Labcorp
Classification: Likely benign for Renal carnitine transport defect. Last evaluated: 2026-02-02. Review status: criteria provided, single submitter. Criteria: Invitae Variant Classification Sherloc (09022015). Collection method: clinical testing. Allele origin: germline.

Women's Health and Genetics/Laboratory Corporation of America, LabCorp
Classification: Likely benign. Last evaluated: 2025-10-20. Review status: criteria provided, single submitter. Criteria: LabCorp Variant Classification Summary - May 2015. Collection method: clinical testing. Allele origin: germline.
Comment: Variant summary: SLC22A5 c.1463G>A (p.Arg488His) results in a non-conservative amino acid change located in the Major facilitator superfamily domain of the encoded protein sequence. Algorithms developed to predict the effect of missense changes on protein structure and function are either unavailable or do not agree on the potential impact of this missense change. The variant allele was found at a frequency of 0.0032 in 251442 control chromosomes, predominantly at a frequency of 0.0048 within the Latino subpopulation in the gnomAD database, including 3 homozygotes. The observed variant frequency within Latino control individuals in the gnomAD database exceeds the estimated maximal expected allele frequency for disease-causing variants in SLC22A5. c.1463G>A has been reported to be in cis with c.424G>T (pathogenic) in the literature in at least one individual affected with Systemic Primary Carnitine Deficiency (e.g. Amat di San Filippo_2006). The variant has been reported in at least one patient with Hypoketotic hypoglycemia and Abnormality of carnitine metabolism, in trans with a VUS (Barbosa-Gouveia_2021). In addition, c.1463G>A in isolation has been reported in general population and is not in linkage disequilibrium with c.424G>T (gnomAD database, Toh_2010). Two publications report experimental evidence evaluating an impact on protein function. The most pronounced variant effect results in 30%-50% of wild type Carnitine transport activity (Amat di San Filippo_2006, Frigeni_2017). The following publications have been ascertained in the context of this evaluation (PMID: 34440436, 21126579, 28841266, 20208395). ClinVar contains an entry for this variant (Variation ID: 38794). Based on the evidence outlined above, the variant was classified as likely benign.

Revvity Omics, Revvity
Classification: Uncertain significance for Renal carnitine transport defect. Last evaluated: 2025-06-19. Review status: criteria provided, single submitter. Criteria: ACMG Guidelines, 2015. Collection method: clinical testing. Allele origin: germline.

Greenwood Genetic Center Diagnostic Laboratories, Greenwood Genetic Center
Classification: Likely pathogenic for Renal carnitine transport defect. Last evaluated: 2025-01-24. Review status: criteria provided, single submitter. Criteria: ACMG Guidelines, 2015. Collection method: clinical testing. Allele origin: germline. Affected: yes.
Comment: PS3_Moderate, PM3_Very Strong, BS2, PP3

Blueprint Genetics
Classification: Uncertain significance. Last evaluated: 2024-11-06. Review status: criteria provided, single submitter. Criteria: ACMG Guidelines, 2015. Collection method: clinical testing. Allele origin: germline.

Laboratory of Medical Genetics, National & Kapodistrian University of Athens
Classification: Likely pathogenic for Renal carnitine transport defect. Last evaluated: 2024-02-01. Review status: criteria provided, single submitter. Criteria: ACMG Guidelines, 2015. Collection method: curation. Allele origin: germline. Affected: no.

Baylor Genetics
Classification: Uncertain significance for Renal carnitine transport defect. Last evaluated: 2023-11-03. Review status: criteria provided, single submitter. Criteria: ACMG Guidelines, 2015. Collection method: clinical testing. Allele origin: unknown.

Department of Pathology and Laboratory Medicine, Sinai Health System
Classification: Uncertain significance for Renal carnitine transport defect. Last evaluated: 2022-12-02. Review status: criteria provided, single submitter. Criteria: ACMG Guidelines, 2015. Collection method: research. Allele origin: germline.

Giacomini Lab, University of California, San Francisco
Classification: Uncertain significance for Renal carnitine transport defect. Last evaluated: 2022-10-03. Review status: criteria provided, single submitter. Criteria: ACMG Guidelines, 2015. Collection method: research, in vitro. Allele origin: germline, not applicable.

ARUP Laboratories, Molecular Genetics and Genomics, ARUP Laboratories
Classification: Benign for Renal carnitine transport defect. Last evaluated: 2021-10-20. Review status: criteria provided, single submitter. Criteria: ARUP Molecular Germline Variant Investigation Process 2021. Collection method: clinical testing. Allele origin: germline.

Genome-Nilou Lab
Classification: Uncertain significance for Renal carnitine transport defect. Last evaluated: 2021-07-22. Review status: criteria provided, single submitter. Criteria: ACMG Guidelines, 2015. Collection method: clinical testing. Allele origin: germline. Affected: no.

Pars Genome Lab
Classification: Uncertain significance for Renal carnitine transport defect. Last evaluated: 2021-05-18. Review status: criteria provided, single submitter. Criteria: ACMG Guidelines, 2015. Collection method: clinical testing. Allele origin: germline. Affected: no.

Mendelics
Classification: Likely pathogenic for Renal carnitine transport defect. Last evaluated: 2019-05-28. Review status: criteria provided, single submitter. Criteria: Mendelics Assertion Criteria 2017. Collection method: clinical testing. Allele origin: unknown.

Laboratory for Molecular Medicine, Mass General Brigham Personalized Medicine
Classification: Uncertain significance. Last evaluated: 2018-09-17. Review status: criteria provided, single submitter. Criteria: LMM Criteria. Collection method: clinical testing. Allele origin: germline. Observed: 2 variant alleles.
Comment: Variant classified as Uncertain Significance - Favor Benign. The p.Arg488His var iant in SLC22A5 has been reported in the compound heterozgous state in at least 5 individuals with primary carnitine deficiency (di San Filippo 2006, Mazzini 20 11, Rose 2012, Frigeni 2017, Thompson 2018); however in all of these individuals a second variant (p.Ala142Ser) was identified on the same copy of the SLC22A5 g ene (in cis). Functional studies indicate that p.Arg488His does not significantl y impact carnitine transport alone, and must occur in cis with p.Ala142Ser to im pact protein function (di San Filippo 2006). However, these types of assays may not accurately represent biological function. The p.Arg488His variant has been i dentified in 0.47% (598/126640) of European chromosomes and 0.32% (884/277154) o f total chromosomes by the Genome Aggregation Database, including 6 homozygotes (gnomAD). It is also present in ClinVar with c onfliciting interpretations of pathogenicity (Variation ID# 38794). Computationa l prediction tools and conservation analysis do not provide strong support for o r against an impact the protein. Finally, another variant at the same position ( p.Arg488Cys) has been identified in the homozygous state in one individual with primary carnitine deficiency (Schimmenti 2007). In summary, while the clinical s ignificance of this variant is uncertain, these data suggest that, in the absenc e of p.Ala142Ser, the p.Arg488His variant is unlikely to be disease causing. AMC G/AMP criteria applied: PS4_Supporting.

CENTOGENE GmbH and LLC - Guiding Precision Medicine
Classification: Uncertain significance for Renal carnitine transport defect. Last evaluated: 2017-07-21. Review status: criteria provided, single submitter. Criteria: ACMG Guidelines, 2015. Collection method: clinical testing. Allele origin: paternal. Affected: yes.

GeneDx
Classification: Pathogenic. Last evaluated: 2017-05-25. Review status: criteria provided, single submitter. Criteria: GeneDx Variant Classification (06012015). Collection method: clinical testing. Allele origin: germline. Affected: yes.
Comment: The A142S and R488H variants in the SLC22A5 gene have been reported previously in association with systemic primary carnitine deficiency (CDSP) in patients who harbored A142S and R488H on the same SLC22A5 allele (in cis) with a third variant on the opposite allele (Amat di San Filippo et al., 2006, SLC22A5 Mutation database; Mazzini et al. 2011). While the A142S variant was not observed with any significant frequency in approximately 6500 individuals of European and African American ancestry in the NHLBI Exome Sequencing Project, the R488H variant was observed with a frequency of 0.5%, 45/8600 alleles, in individuals of European American ancestry. When A142S and R488H were expressed individually in CHO cells, neither variant reduced carnitine transport (Amat di San Filippo et al., 2006). However, when A142S and R488H were present on the same allele, expression in CHO cells showed significantly impaired carnitine transport, indicating that A142S and R488H need to be present on the same SLC22A5 allele in order to impair function (Amat di San Filippo et al., 2006). Therefore when the R488H missense change is present without a second variant on the same SLC22A5 allele, it is not expected to be a pathogenic variant.

NM_003060.4(SLC22A5):c.1463G>A (p.Arg488His)

Gene: SLC22A5 (solute carrier family 22 member 5; plus strand). Cytogenetic location: 5q31.1.
Variant type: single nucleotide variant.
Coding change: c.1463G>A on transcript NM_003060.4 (MANE Select); coding-DNA position 1463, G replaced by A.
Protein change: p.Arg488His; replaces arginine 488 with histidine.
Molecular consequence: missense variant.
Genome position (GRCh38, 1-based): chr5:132,393,688, G>A. VCF-style: chr5-132393688-G-A. GRCh37 (hg19) VCF-style: chr5-131729380-G-A.
Other names: c.1535G>A, p.Arg512His (NM_001308122.2); short protein forms R488H, R512H.
Identifiers: ClinVar variation 38794 (VCV000038794.81), dbSNP rs28383481, ClinGen allele CA090920.